The following is an entry in ClinVar:

NM_022552.5(DNMT3A):c.954G>C (p.Arg318=)

Gene: DNMT3A (DNA methyltransferase 3 alpha; minus strand). Cytogenetic location: 2p23.3.
Variant type: single nucleotide variant.
Coding change: c.954G>C on transcript NM_022552.5 (MANE Select); coding-DNA position 954, G replaced by C.
Protein change: p.Arg318=; no amino-acid change (arginine 318 retained).
Molecular consequence: synonymous variant. On other transcripts: non-coding transcript variant (1).
Genome position (GRCh38, 1-based): chr2:25,247,651, C>G on the plus strand (G>C on the coding strand, the complement: DNMT3A is on the minus strand). VCF-style: chr2-25247651-C-G. GRCh37 (hg19) VCF-style: chr2-25470520-C-G.
Other names: c.498G>C, p.Arg166= (NM_001320893.1); c.285G>C, p.Arg95= (NM_001375819.1); c.387G>C, p.Arg129= (NM_153759.3); c.954G>C, p.Arg318= (NM_175629.2).
Identifiers: ClinVar variation 3349753 (VCV003349753.1).

ClinVar aggregate classification (germline): Likely benign (0 of 4 stars; one submission).

Conditions:
DNMT3A-related disorder. Also called: DNMT3A-related condition; DNMT3A-related disorders.

Submission:

PreventionGenetics, part of Exact Sciences
Classification: Likely benign for DNMT3A-related condition. Last evaluated: 2023-11-30. Review status: no assertion criteria provided. Collection method: clinical testing. Allele origin: germline.
Comment: This variant is classified as likely benign based on ACMG/AMP sequence variant interpretation guidelines (Richards et al. 2015 PMID: 25741868, with internal and published modifications).